The following is an entry in ClinVar:

ClinVar aggregate classification (germline): Uncertain significance. Review status: criteria provided, multiple submitters, no conflicts (2 of 4 stars). 3 submissions from 3 submitters: Uncertain significance (3). Last evaluated 2026-07-06.

Conditions:
Hereditary cancer-predisposing syndrome. Also called: Hereditary Cancer Syndrome; Neoplastic Syndromes, Hereditary; Hereditary neoplastic syndrome; Tumor predisposition. Identifiers: Orphanet 140162, MedGen C0027672, MeSH D009386, MONDO:0015356.
Hereditary pheochromocytoma and paraganglioma. Also called: Hereditary pheochromocytoma-paraganglioma; Hereditary Paraganglioma-Pheochromocytoma Syndromes; Hereditary paragangliomas and pheochromocytomas. Identifiers: Orphanet 29072, MedGen C4274332, MONDO:0017366.
Pheochromocytoma/paraganglioma syndrome 2. Also called: SDHAF2-Related Hereditary Paraganglioma-Pheochromocytoma Syndrome; Paragangliomas 2; SDHAF2-Related Hereditary Paraganglioma-Pheochromocytoma Syndrome (Paragangliomas 2); GLOMUS TUMORS, FAMILIAL, 2. Identifiers: Orphanet 29072, MedGen C1866552, MONDO:0011121, OMIM 601650.

Submissions (3):

Ambry Genetics
Classification: Uncertain significance for Hereditary cancer-predisposing syndrome. Last evaluated: 2026-07-06. Review status: criteria provided, single submitter. Criteria: Ambry Variant Classification Scheme 2023. Collection method: clinical testing. Allele origin: germline.
Comment: The p.N146S variant (also known as c.437A>G), located in coding exon 4 of the SDHAF2 gene, results from an A to G substitution at nucleotide position 437. The asparagine at codon 146 is replaced by serine, an amino acid with highly similar properties. This amino acid position is conserved. In addition, this alteration is predicted to be tolerated by in silico analysis. Based on the available evidence, the clinical significance of this variant remains unclear.

Baylor Genetics
Classification: Uncertain significance for Pheochromocytoma/paraganglioma syndrome 2. Last evaluated: 2023-12-27. Review status: criteria provided, single submitter. Criteria: ACMG Guidelines, 2015. Collection method: clinical testing. Allele origin: unknown.

Labcorp Genetics (formerly Invitae), Labcorp
Classification: Uncertain significance for Hereditary pheochromocytoma and paraganglioma. Last evaluated: 2021-03-09. Review status: criteria provided, single submitter. Criteria: Invitae Variant Classification Sherloc (09022015). Collection method: clinical testing. Allele origin: germline.
Comment: Algorithms developed to predict the effect of missense changes on protein structure and function are either unavailable or do not agree on the potential impact of this missense change (SIFT: "Deleterious"; PolyPhen-2: "Probably Damaging"; Align-GVGD: "Class C15"). In summary, the available evidence is currently insufficient to determine the role of this variant in disease. Therefore, it has been classified as a Variant of Uncertain Significance. This variant has not been reported in the literature in individuals with SDHAF2-related conditions. This variant is not present in population databases (ExAC no frequency). This sequence change replaces asparagine with serine at codon 146 of the SDHAF2 protein (p.Asn146Ser). The asparagine residue is highly conserved and there is a small physicochemical difference between asparagine and serine.

NM_017841.4(SDHAF2):c.437A>G (p.Asn146Ser)

Gene: SDHAF2 (succinate dehydrogenase complex assembly factor 2; plus strand). Cytogenetic location: 11q12.2.
Variant type: single nucleotide variant.
Coding change: c.437A>G on transcript NM_017841.4 (MANE Select); coding-DNA position 437, A replaced by G.
Protein change: p.Asn146Ser; replaces asparagine 146 with serine.
Molecular consequence: missense variant.
Genome position (GRCh38, 1-based): chr11:61,446,007, A>G. VCF-style: chr11-61446007-A-G. GRCh37 (hg19) VCF-style: chr11-61213479-A-G.
Other names: c.437A>G (NM_017841.2); short protein forms N146S.
Identifiers: ClinVar variation 1348817 (VCV001348817.10), dbSNP rs2134902041, ClinGen allele CA380685392.
Genomic context (GRCh38, chr11:61,446,007, plus strand): 5'-AACCAGCCCCAGAAATATTTGAAAATGAAGTCATGGCCCTGCTGAGAGACTTTGCTAAAA[A>G]CAAAAACAAAGAGCAGAGACTGCGTGCCCCAGATCTTGAGTACCTCTTTGAAAAGCCACG-3'
Protein context (NP_060311.1, residues 136-156): VMALLRDFAK[Asn146Ser]KNKEQRLRAP